The following is an entry in ClinVar:

NM_018191.4(RCBTB1):c.1112A>G (p.Asp371Gly)

Gene: RCBTB1 (RCC1 and BTB domain containing protein 1; minus strand). Cytogenetic location: 13q14.2.
Variant type: single nucleotide variant.
Coding change: c.1112A>G on transcript NM_018191.4 (MANE Select); coding-DNA position 1112, A replaced by G.
Protein change: p.Asp371Gly; replaces aspartic acid 371 with glycine.
Molecular consequence: missense variant. On other transcripts: non-coding transcript variant (2).
Genome position (GRCh38, 1-based): chr13:49,544,797, T>C on the plus strand (A>G on the coding strand, the complement: RCBTB1 is on the minus strand). VCF-style: chr13-49544797-T-C. GRCh37 (hg19) VCF-style: chr13-50118933-T-C.
Other names: c.1112A>G, p.Asp371Gly (NM_001352500.2, NM_001352501.2, NM_001352502.2 and 2 more transcripts); c.533A>G, p.Asp178Gly (NM_001352506.2); short protein forms D178G, D371G.
Identifiers: ClinVar variation 1472287 (VCV001472287.8), dbSNP rs2139148528, ClinGen allele CA388188491.

ClinVar aggregate classification (germline): Uncertain significance (1 of 4 stars; one submission).

gnomAD v4.1: 2 of 1,611,900 alleles (0.00012%); no homozygotes.

Submission:

Labcorp Genetics (formerly Invitae), Labcorp
Classification: Uncertain significance. Last evaluated: 2022-07-25. Review status: criteria provided, single submitter. Criteria: Invitae Variant Classification Sherloc (09022015). Collection method: clinical testing. Allele origin: germline.
Comment: In summary, the available evidence is currently insufficient to determine the role of this variant in disease. Therefore, it has been classified as a Variant of Uncertain Significance. Algorithms developed to predict the effect of sequence changes on RNA splicing suggest that this variant may create or strengthen a splice site. Algorithms developed to predict the effect of missense changes on protein structure and function are either unavailable or do not agree on the potential impact of this missense change (SIFT: "Deleterious"; PolyPhen-2: "Probably Damaging"; Align-GVGD: "Class C0"). ClinVar contains an entry for this variant (Variation ID: 1472287). This variant has not been reported in the literature in individuals affected with RCBTB1-related conditions. This variant is not present in population databases (gnomAD no frequency). This sequence change replaces aspartic acid, which is acidic and polar, with glycine, which is neutral and non-polar, at codon 371 of the RCBTB1 protein (p.Asp371Gly).